The following is an entry in ClinVar:

NM_013436.5(NCKAP1):c.1004+5G>A

Gene: NCKAP1 (NCK associated protein 1; minus strand). Cytogenetic location: 2q32.1.
Variant type: single nucleotide variant.
Coding change: c.1004+5G>A on transcript NM_013436.5 (MANE Select); 5 bases into the intron after coding-DNA position 1004, G replaced by A.
Molecular consequence: intron variant.
Genome position (GRCh38, 1-based): chr2:182,986,166, C>T on the plus strand (G>A on the coding strand, the complement: NCKAP1 is on the minus strand). VCF-style: chr2-182986166-C-T. GRCh37 (hg19) VCF-style: chr2-183850894-C-T.
Other names: c.1022+5G>A (NM_205842.3).
Identifiers: ClinVar variation 3381493 (VCV003381493.2).

ClinVar aggregate classification (germline): Uncertain significance (1 of 4 stars; one submission).

Submission:

GeneDx
Classification: Uncertain significance. Last evaluated: 2025-03-17. Review status: criteria provided, single submitter. Criteria: GeneDx Variant Classification Process June 2021. Collection method: clinical testing. Allele origin: germline.
Comment: Intronic +5 splice site variant in a gene for which loss of function is a known mechanism of disease, and both splice predictors and evolutionary conservation support a deleterious effect, although in the absence of functional evidence the actual effect of this sequence change is unknown.; Not observed at significant frequency in large population cohorts (gnomAD); Has not been previously published as pathogenic or benign to our knowledge